The following is an entry in ClinVar:

ClinVar aggregate classification (germline): Uncertain significance. Review status: criteria provided, multiple submitters, no conflicts (2 of 4 stars). 2 submissions from 2 submitters: Uncertain significance (2). Last evaluated 2026-08-28.

Conditions:
EIF4G1-related disorder. Also called: EIF4G1-related condition.

Allele frequency attached by ClinVar (database versions not stated): gnomAD 0.00001; TOPMed 0.00001; ExAC 0.00002; gnomAD exomes 0.00003.

Submissions (2):

PreventionGenetics, part of Exact Sciences
Classification: Uncertain significance for EIF4G1-related condition. Last evaluated: 2026-08-28. Review status: criteria provided, single submitter. Criteria: ACMG Guidelines, 2015. Collection method: clinical testing. Allele origin: germline.
Comment: The EIF4G1 c.1139T>C variant is predicted to result in the amino acid substitution p.Leu380Pro. To our knowledge, this variant has not been reported in the literature. This variant is reported in 0.0036% of alleles in individuals of South Asian descent in gnomAD. At this time, the clinical significance of this variant is uncertain due to the absence of conclusive functional and genetic evidence.

Ambry Genetics
Classification: Uncertain significance. Last evaluated: 2025-12-04. Review status: criteria provided, single submitter. Criteria: Ambry Variant Classification Scheme 2023. Collection method: clinical testing. Allele origin: germline.

NM_198241.3(EIF4G1):c.1139T>C (p.Leu380Pro)

Gene: EIF4G1 (eukaryotic translation initiation factor 4 gamma 1; plus strand). Cytogenetic location: 3q27.1.
Variant type: single nucleotide variant.
Coding change: c.1139T>C on transcript NM_198241.3 (MANE Select); coding-DNA position 1139, T replaced by C.
Protein change: p.Leu380Pro; replaces leucine 380 with proline.
Molecular consequence: missense variant.
Genome position (GRCh38, 1-based): chr3:184,321,723, T>C. VCF-style: chr3-184321723-T-C. GRCh37 (hg19) VCF-style: chr3-184039511-T-C.
Other names: c.1160T>C, p.Leu387Pro (NM_001194946.2, NM_001194947.2); c.1019T>C, p.Leu340Pro (NM_001291157.2); c.551T>C, p.Leu184Pro (NM_004953.5); c.1139T>C, p.Leu380Pro (NM_182917.4); c.647T>C, p.Leu216Pro (NM_198242.3); c.878T>C, p.Leu293Pro (NM_198244.3); c.1139T>C (NM_198241.2); short protein forms L184P, L340P, L380P, L293P, L216P, L387P.
Identifiers: ClinVar variation 2208290 (VCV002208290.4), dbSNP rs772020961, ClinGen allele CA2732117.